The following is an entry in ClinVar:

ClinVar aggregate classification (germline): Uncertain significance (1 of 4 stars; one submission).

Submission:

GeneDx
Classification: Uncertain significance. Last evaluated: 2024-07-08. Review status: criteria provided, single submitter. Criteria: GeneDx Variant Classification Process June 2021. Collection method: clinical testing. Allele origin: germline. Affected: yes.
Comment: In silico analysis supports that this missense variant has a deleterious effect on protein structure/function; Has not been previously published as pathogenic or benign to our knowledge

NM_005267.5(GJA8):c.316C>T (p.Arg106Cys)

Gene: GJA8 (gap junction protein alpha 8; plus strand). Cytogenetic location: 1q21.2.
Variant type: single nucleotide variant.
Coding change: c.316C>T on transcript NM_005267.5 (MANE Select); coding-DNA position 316, C replaced by T.
Protein change: p.Arg106Cys; replaces arginine 106 with cysteine.
Molecular consequence: missense variant.
Genome position (GRCh38, 1-based): chr1:147,908,271, C>T. VCF-style: chr1-147908271-C-T. GRCh37 (hg19) VCF-style: chr1-147380398-C-T.
Other names: short protein forms R106C.
Identifiers: ClinVar variation 3572589 (VCV003572589.1).